The following is an entry in ClinVar:

ClinVar aggregate classification (germline): Uncertain significance (1 of 4 stars; one submission).

Conditions:
Perlman syndrome (PRLMNS). Identifiers: Orphanet 2849, MedGen C0796113, MONDO:0009965, OMIM 267000.

Allele frequency attached by ClinVar (database versions not stated): gnomAD 0.00001; gnomAD exomes 0.00001; TOPMed 0.00004.
gnomAD v4.1: 5 of 1,610,730 alleles (0.00031%); highest among the groups gnomAD compares: African/African-American, 0.0053%; no homozygotes.

Submission:

Labcorp Genetics (formerly Invitae), Labcorp
Classification: Uncertain significance for Perlman syndrome. Last evaluated: 2023-10-26. Review status: criteria provided, single submitter. Criteria: Invitae Variant Classification Sherloc (09022015). Collection method: clinical testing. Allele origin: germline.
Comment: This sequence change replaces valine, which is neutral and non-polar, with alanine, which is neutral and non-polar, at codon 124 of the DIS3L2 protein (p.Val124Ala). This variant is present in population databases (no rsID available, gnomAD 0.01%). This variant has not been reported in the literature in individuals affected with DIS3L2-related conditions. ClinVar contains an entry for this variant (Variation ID: 567335). An algorithm developed to predict the effect of missense changes on protein structure and function (PolyPhen-2) suggests that this variant is likely to be tolerated. In summary, the available evidence is currently insufficient to determine the role of this variant in disease. Therefore, it has been classified as a Variant of Uncertain Significance.

NM_152383.5(DIS3L2):c.371T>C (p.Val124Ala)

Gene: DIS3L2 (DIS3 like 3'-5' exoribonuclease 2; plus strand). Cytogenetic location: 2q37.1.
Variant type: single nucleotide variant.
Coding change: c.371T>C on transcript NM_152383.5 (MANE Select); coding-DNA position 371, T replaced by C.
Protein change: p.Val124Ala; replaces valine 124 with alanine.
Molecular consequence: missense variant. On other transcripts: non-coding transcript variant (2).
Genome position (GRCh38, 1-based): chr2:232,087,491, T>C. VCF-style: chr2-232087491-T-C. GRCh37 (hg19) VCF-style: chr2-232952201-T-C.
Other names: c.371T>C, p.Val124Ala (NM_001257281.2, NM_001257282.2); short protein forms V124A.
Identifiers: ClinVar variation 567335 (VCV000567335.9), dbSNP rs1017898352, ClinGen allele CA67506781.